The following is an entry in ClinVar:

NM_004818.3(DDX23):c.1135A>G (p.Ile379Val)

Gene: DDX23 (DEAD-box helicase 23; minus strand). Cytogenetic location: 12q13.12.
Variant type: single nucleotide variant.
Coding change: c.1135A>G on transcript NM_004818.3 (MANE Select); coding-DNA position 1135, A replaced by G.
Protein change: p.Ile379Val; replaces isoleucine 379 with valine.
Molecular consequence: missense variant.
Genome position (GRCh38, 1-based): chr12:48,836,670, T>C on the plus strand (A>G on the coding strand, the complement: DDX23 is on the minus strand). VCF-style: chr12-48836670-T-C. GRCh37 (hg19) VCF-style: chr12-49230453-T-C.
Other names: short protein forms I379V.
Identifiers: ClinVar variation 2580687 (VCV002580687.2), dbSNP rs2498754375, ClinGen allele CA384674374.

ClinVar aggregate classification (germline): Uncertain significance. Review status: criteria provided, multiple submitters, no conflicts (2 of 4 stars). 2 submissions from 2 submitters: Uncertain significance (2). Last evaluated 2026-01-02.

Submissions (2):

Dasa
Classification: Uncertain significance. Last evaluated: 2026-01-02. Review status: criteria provided, single submitter. Criteria: DASA Assertion Criteria. Collection method: clinical testing. Allele origin: germline.
Comment: NM_004818.3(DDX23):c.1135A>G (p.Ile379Val) is a missense variant that results in the substitution of isoleucine with valine. Multiple computational predictions suggest no deleterious effect on the gene or gene product. The variant is present at low frequency in population datasets. Based on the available data, this variant is classified as variant of uncertain significance.

GeneDx
Classification: Uncertain significance. Last evaluated: 2023-03-24. Review status: criteria provided, single submitter. Criteria: GeneDx Variant Classification Process June 2021. Collection method: clinical testing. Allele origin: germline. Affected: yes.
Comment: Not observed at significant frequency in large population cohorts (gnomAD); In silico analysis supports that this missense variant does not alter protein structure/function; Has not been previously published as pathogenic or benign to our knowledge